The following is an entry in ClinVar:

NM_005876.5(SPEG):c.2245C>T (p.Pro749Ser)

Gene: SPEG (striated muscle enriched protein kinase; plus strand). Cytogenetic location: 2q35.
Variant type: single nucleotide variant.
Coding change: c.2245C>T on transcript NM_005876.5 (MANE Select); coding-DNA position 2245, C replaced by T.
Protein change: p.Pro749Ser; replaces proline 749 with serine.
Molecular consequence: missense variant.
Genome position (GRCh38, 1-based): chr2:219,451,267, C>T. VCF-style: chr2-219451267-C-T. GRCh37 (hg19) VCF-style: chr2-220315989-C-T.
Other names: short protein forms P749S.
Identifiers: ClinVar variation 1913918 (VCV001913918.5), dbSNP rs1347181252, ClinGen allele CA350729687.

ClinVar aggregate classification (germline): Uncertain significance. Review status: criteria provided, multiple submitters, no conflicts (2 of 4 stars). 2 submissions from 2 submitters: Uncertain significance (2). Last evaluated 2025-03-06.

Conditions:
Myopathy, centronuclear, 5 (CNM5). Identifiers: Orphanet 169186, MedGen C4014814, MONDO:0014418, OMIM 615959.

Allele frequency attached by ClinVar (database versions not stated): gnomAD 0.00002.
gnomAD v4.1: 6 of 1,609,432 alleles (0.00037%); highest among the groups gnomAD compares: Middle Eastern, 0.017%; no homozygotes.

Submissions (2):

Revvity Omics, Revvity
Classification: Uncertain significance for Myopathy, centronuclear, 5. Last evaluated: 2025-03-06. Review status: criteria provided, single submitter. Criteria: ACMG Guidelines, 2015. Collection method: clinical testing. Allele origin: germline.

Labcorp Genetics (formerly Invitae), Labcorp
Classification: Uncertain significance. Last evaluated: 2022-02-04. Review status: criteria provided, single submitter. Criteria: Invitae Variant Classification Sherloc (09022015). Collection method: clinical testing. Allele origin: germline.
Comment: This sequence change replaces proline, which is neutral and non-polar, with serine, which is neutral and polar, at codon 749 of the SPEG protein (p.Pro749Ser). This variant is present in population databases (no rsID available, gnomAD 0.007%). This variant has not been reported in the literature in individuals affected with SPEG-related conditions. Algorithms developed to predict the effect of missense changes on protein structure and function are either unavailable or do not agree on the potential impact of this missense change (SIFT: "Deleterious"; PolyPhen-2: "Probably Damaging"; Align-GVGD: "Class C0"). In summary, the available evidence is currently insufficient to determine the role of this variant in disease. Therefore, it has been classified as a Variant of Uncertain Significance.